The following is an entry in ClinVar:

NM_021008.4(DEAF1):c.910A>G (p.Lys304Glu)

Gene: DEAF1 (DEAF1 transcription factor; minus strand). Cytogenetic location: 11p15.5.
Variant type: single nucleotide variant.
Coding change: c.910A>G on transcript NM_021008.4 (MANE Select); coding-DNA position 910, A replaced by G.
Protein change: p.Lys304Glu; replaces lysine 304 with glutamic acid.
Molecular consequence: missense variant. On other transcripts: intron variant (1).
Genome position (GRCh38, 1-based): chr11:681,050, T>C on the plus strand (A>G on the coding strand, the complement: DEAF1 is on the minus strand). VCF-style: chr11-681050-T-C. GRCh37 (hg19) VCF-style: chr11-681050-T-C.
Other names: c.184A>G, p.Lys62Glu (NM_001367390.1, NM_001440885.1, NM_001440886.1 and 1 more transcripts); c.910A>G, p.Lys304Glu (NM_001440883.1, NM_001440884.1); c.731-1234A>G (NM_001293634.2); short protein forms K304E, K62E.
Identifiers: ClinVar variation 2662958 (VCV002662958.1), dbSNP rs2494418086, ClinGen allele CA378928467.
Genomic context (GRCh38, chr11:681,050, plus strand): 5'-ATGTGATGTTCTTGGGGGAGTCCTTCTTCACGGGAGTTGTGGGCAGTTCATTCTCCTTCT[T>C]GCGCCTTTTGTAAGGCACAAAAAGCCTGACTGGGCCACTCTGGGGGAGAAAGGAGAGAGG-3'
Protein context (NP_066288.2, residues 294-314): VRLFVPYKRR[Lys304Glu]KENELPTTPV

ClinVar aggregate classification (germline): Uncertain significance (1 of 4 stars; one submission).

Submission:

GeneDx
Classification: Uncertain significance. Last evaluated: 2023-11-09. Review status: criteria provided, single submitter. Criteria: GeneDx Variant Classification Process June 2021. Collection method: clinical testing. Allele origin: germline. Affected: yes.
Comment: Not observed at significant frequency in large population cohorts (gnomAD); In silico analysis supports that this missense variant has a deleterious effect on protein structure/function; Has not been previously published as pathogenic or benign to our knowledge